The following is an entry in ClinVar:

ClinVar aggregate classification (germline): Uncertain significance. Review status: criteria provided, multiple submitters, no conflicts (2 of 4 stars). 2 submissions from 2 submitters: Uncertain significance (2). Last evaluated 2026-01-05.

Conditions:
Inborn genetic diseases. Identifiers: MedGen C0950123, MeSH D030342.
DOCK2 deficiency. Also called: Immunodeficiency 40. Identifiers: Orphanet 447737, MedGen C4225328, MONDO:0014637, OMIM 616433.

Allele frequency attached by ClinVar (database versions not stated): gnomAD 0.00006 and 0.00011; gnomAD exomes 0.00006 and 0.00008; TOPMed 0.00022; ExAC 0.00038; 1000 Genomes Project 30x 0.00078; 1000 Genomes Project 0.00080.
gnomAD v4.1: 118 of 1,430,392 alleles (0.0082%); highest among the groups gnomAD compares: East Asian, 0.33%; 1 homozygote.

Submissions (2):

Labcorp Genetics (formerly Invitae), Labcorp
Classification: Uncertain significance for DOCK2 deficiency. Last evaluated: 2026-01-05. Review status: criteria provided, single submitter. Criteria: Invitae Variant Classification Sherloc (09022015). Collection method: clinical testing. Allele origin: germline.
Comment: This sequence change replaces arginine, which is basic and polar, with glutamine, which is neutral and polar, at codon 11 of the DOCK2 protein (p.Arg11Gln). This variant is present in population databases (rs200033547, gnomAD 0.2%). This variant has not been reported in the literature in individuals affected with DOCK2-related conditions. ClinVar contains an entry for this variant (Variation ID: 1418213). An algorithm developed to predict the effect of missense changes on protein structure and function (PolyPhen-2) suggests that this variant is likely to be tolerated. In summary, the available evidence is currently insufficient to determine the role of this variant in disease. Therefore, it has been classified as a Variant of Uncertain Significance.

Ambry Genetics
Classification: Uncertain significance for Inborn genetic diseases. Last evaluated: 2025-06-03. Review status: criteria provided, single submitter. Criteria: Ambry Variant Classification Scheme 2023. Collection method: clinical testing. Allele origin: germline.

NM_004946.3(DOCK2):c.32G>A (p.Arg11Gln)

Genes: DOCK2 (dedicator of cytokinesis 2; plus strand), LOC129995219 (ATAC-STARR-seq lymphoblastoid silent region 16601; plus strand). Cytogenetic location: 5q35.1.
Variant type: single nucleotide variant.
Coding change: c.32G>A on transcript NM_004946.3 (MANE Select); coding-DNA position 32, G replaced by A.
Protein change: p.Arg11Gln; replaces arginine 11 with glutamine.
Molecular consequence: missense variant. On other transcripts: non-coding transcript variant (1).
Genome position (GRCh38, 1-based): chr5:169,637,358, G>A. VCF-style: chr5-169637358-G-A. GRCh37 (hg19) VCF-style: chr5-169064362-G-A.
Other names: c.32G>A (NM_004946.2); short protein forms R11Q.
Identifiers: ClinVar variation 1418213 (VCV001418213.5), dbSNP rs200033547, ClinGen allele CA3553010.